The following is an entry in ClinVar:

ClinVar aggregate classification (germline): Uncertain significance (1 of 4 stars; one submission).

Conditions:
Ehlers-Danlos syndrome, classic type, 1 (EDSCL1). Also called: EHLERS-DANLOS SYNDROME, GRAVIS TYPE; EHLERS-DANLOS SYNDROME, SEVERE CLASSIC TYPE; Ehlers-Danlos syndrome, type 1; Ehlers-Danlos Syndrome, Classic Type, COL5A1-Related; EDS I. Identifiers: MedGen C0268335, MONDO:0019567, OMIM 130000.

gnomAD v4.1: 2 of 1,613,904 alleles (0.00012%); highest among the groups gnomAD compares: Non-Finnish European, 0.00017%; no homozygotes.

Submission:

Labcorp Genetics (formerly Invitae), Labcorp
Classification: Uncertain significance for Ehlers-Danlos syndrome, classic type, 1. Last evaluated: 2024-06-20. Review status: criteria provided, single submitter. Criteria: Invitae Variant Classification Sherloc (09022015). Collection method: clinical testing. Allele origin: germline.
Comment: This sequence change replaces threonine, which is neutral and polar, with alanine, which is neutral and non-polar, at codon 434 of the COL5A2 protein (p.Thr434Ala). This variant is not present in population databases (gnomAD no frequency). This variant has not been reported in the literature in individuals affected with COL5A2-related conditions. An algorithm developed to predict the effect of missense changes on protein structure and function (PolyPhen-2) suggests that this variant is likely to be disruptive. In summary, the available evidence is currently insufficient to determine the role of this variant in disease. Therefore, it has been classified as a Variant of Uncertain Significance.

NM_000393.5(COL5A2):c.1300A>G (p.Thr434Ala)

Gene: COL5A2 (collagen type V alpha 2 chain; minus strand). Cytogenetic location: 2q32.2.
Variant type: single nucleotide variant.
Coding change: c.1300A>G on transcript NM_000393.5 (MANE Select); coding-DNA position 1300, A replaced by G.
Protein change: p.Thr434Ala; replaces threonine 434 with alanine.
Molecular consequence: missense variant.
Genome position (GRCh38, 1-based): chr2:189,068,228, T>C on the plus strand (A>G on the coding strand, the complement: COL5A2 is on the minus strand). VCF-style: chr2-189068228-T-C. GRCh37 (hg19) VCF-style: chr2-189932954-T-C.
Other names: short protein forms T434A.
Identifiers: ClinVar variation 3657077 (VCV003657077.1).